The following is an entry in ClinVar:

NM_020884.7(MYH7B):c.2900C>T (p.Thr967Ile)

Gene: MYH7B (myosin heavy chain 7B; plus strand). Cytogenetic location: 20q11.22.
Variant type: single nucleotide variant.
Coding change: c.2900C>T on transcript NM_020884.7 (MANE Select); coding-DNA position 2900, C replaced by T.
Protein change: p.Thr967Ile; replaces threonine 967 with isoleucine.
Molecular consequence: missense variant.
Genome position (GRCh38, 1-based): chr20:34,995,535, C>T. VCF-style: chr20-34995535-C-T. GRCh37 (hg19) VCF-style: chr20-33583338-C-T.
Other names: c.3026C>T (NM_020884.3); short protein forms T967I.
Identifiers: ClinVar variation 1348534 (VCV001348534.7), dbSNP rs958688320, ClinGen allele CA313480087.
Genomic context (GRCh38, chr20:34,995,535, plus strand): 5'-GGCGCAAGCTGGAGGACGAGTGCACGGAGCTCAAGAAGGACATTGATGACCTGGAGCTGA[C>T]ACTGGCCAAAGCTGAGAAGGAGAAGCAAGCCACTGAGAACAAGGTGTGGGCCGGGCCAGC-3'
Protein context (NP_065935.4, residues 957-977): LKKDIDDLEL[Thr967Ile]LAKAEKEKQA

ClinVar aggregate classification (germline): Uncertain significance. Review status: criteria provided, multiple submitters, no conflicts (2 of 4 stars). 2 submissions from 2 submitters: Uncertain significance (2). Last evaluated 2026-01-05.

Allele frequency attached by ClinVar (database versions not stated): TOPMed below 0.00001.

Submissions (2):

Labcorp Genetics (formerly Invitae), Labcorp
Classification: Uncertain significance. Last evaluated: 2026-01-05. Review status: criteria provided, single submitter. Criteria: Invitae Variant Classification Sherloc (09022015). Collection method: clinical testing. Allele origin: germline.
Comment: This sequence change replaces threonine, which is neutral and polar, with isoleucine, which is neutral and non-polar, at codon 1009 of the MYH7B protein (p.Thr1009Ile). This variant is not present in population databases (gnomAD no frequency). This variant has not been reported in the literature in individuals affected with MYH7B-related conditions. ClinVar contains an entry for this variant (Variation ID: 1348534). Invitae Evidence Modeling of protein sequence and biophysical properties (such as structural, functional, and spatial information, amino acid conservation, physicochemical variation, residue mobility, and thermodynamic stability) indicates that this missense variant is not expected to disrupt MYH7B protein function with a negative predictive value of 80%. In summary, the available evidence is currently insufficient to determine the role of this variant in disease. Therefore, it has been classified as a Variant of Uncertain Significance.

Ambry Genetics
Classification: Uncertain significance. Last evaluated: 2024-06-26. Review status: criteria provided, single submitter. Criteria: Ambry Variant Classification Scheme 2023. Collection method: clinical testing. Allele origin: germline.